The following is an entry in ClinVar:

NM_024678.6(NARS2):c.847A>G (p.Thr283Ala)

Gene: NARS2 (asparaginyl-tRNA synthetase 2, mitochondrial; minus strand). Cytogenetic location: 11q14.1.
Variant type: single nucleotide variant.
Coding change: c.847A>G on transcript NM_024678.6 (MANE Select); coding-DNA position 847, A replaced by G.
Protein change: p.Thr283Ala; replaces threonine 283 with alanine.
Molecular consequence: missense variant.
Genome position (GRCh38, 1-based): chr11:78,478,659, T>C on the plus strand (A>G on the coding strand, the complement: NARS2 is on the minus strand). VCF-style: chr11-78478659-T-C. GRCh37 (hg19) VCF-style: chr11-78189705-T-C.
Other names: c.166A>G, p.Thr56Ala (NM_001243251.2); short protein forms T283A, T56A.
Identifiers: ClinVar variation 1029917 (VCV001029917.10), dbSNP rs549442380, ClinGen allele CA6205678.
Genomic context (GRCh38, chr11:78,478,659, plus strand): 5'-CTATGAATTTGTGACAGAGTTCAACATCTTCAGGACATTTTGAGAGAACCATCATTGTTG[T>C]AGCCTTGAACAGTTCCTCTATAACCTAAGAGAAATGAAATAGAATCACCTGACACGTAAG-3'
Protein context (NP_078954.4, residues 273-293): MQVIEELFKA[Thr283Ala]TMMVLSKCPE

ClinVar aggregate classification (germline): Conflicting classifications of pathogenicity. Review status: criteria provided, conflicting classifications (1 of 4 stars). 6 submissions from 6 submitters: Uncertain significance (5); Likely benign (1). Last evaluated 2026-09-09.

Conditions:
NARS2-related disorder. Also called: NARS2-related condition.
Inborn genetic diseases. Identifiers: MedGen C0950123, MeSH D030342.
Combined oxidative phosphorylation defect type 24. Also called: Combined oxidative phosphorylation deficiency 24. Identifiers: Orphanet 444458, MedGen C4015643, MONDO:0014547, OMIM 616239.

Allele frequency attached by ClinVar (database versions not stated): gnomAD exomes 0.00006 and 0.00010; ExAC 0.00007; TOPMed 0.00007; gnomAD 0.00009 and 0.00010; 1000 Genomes Project 30x 0.00016; 1000 Genomes Project 0.00020.
gnomAD v4.1: 119 of 1,611,438 alleles (0.0074%); highest among the groups gnomAD compares: Middle Eastern, 0.28%; no homozygotes.

Submissions (6):

PreventionGenetics, part of Exact Sciences
Classification: Uncertain significance for NARS2-related condition. Last evaluated: 2026-09-09. Review status: criteria provided, single submitter. Criteria: ACMG Guidelines, 2015. Collection method: clinical testing. Allele origin: germline.
Comment: The NARS2 c.847A>G variant is predicted to result in the amino acid substitution p.Thr283Ala. To our knowledge, this variant has not been reported in the literature. This variant is reported in 0.043% of alleles in individuals of Latino descent in gnomAD. At this time, the clinical significance of this variant is uncertain due to the absence of conclusive functional and genetic evidence.

Labcorp Genetics (formerly Invitae), Labcorp
Classification: Uncertain significance. Last evaluated: 2024-12-09. Review status: criteria provided, single submitter. Criteria: Invitae Variant Classification Sherloc (09022015). Collection method: clinical testing. Allele origin: germline.
Comment: This sequence change replaces threonine, which is neutral and polar, with alanine, which is neutral and non-polar, at codon 283 of the NARS2 protein (p.Thr283Ala). This variant is present in population databases (rs549442380, gnomAD 0.05%). This variant has not been reported in the literature in individuals affected with NARS2-related conditions. ClinVar contains an entry for this variant (Variation ID: 1029917). Invitae Evidence Modeling of protein sequence and biophysical properties (such as structural, functional, and spatial information, amino acid conservation, physicochemical variation, residue mobility, and thermodynamic stability) indicates that this missense variant is not expected to disrupt NARS2 protein function with a negative predictive value of 80%. In summary, the available evidence is currently insufficient to determine the role of this variant in disease. Therefore, it has been classified as a Variant of Uncertain Significance.

Revvity Omics, Revvity
Classification: Uncertain significance. Last evaluated: 2023-11-01. Review status: criteria provided, single submitter. Criteria: ACMG Guidelines, 2015. Collection method: clinical testing. Allele origin: germline.

Ambry Genetics
Classification: Likely benign for Inborn genetic diseases. Last evaluated: 2022-08-16. Review status: criteria provided, single submitter. Criteria: Ambry Variant Classification Scheme 2023. Collection method: clinical testing. Allele origin: germline.

Baylor Genetics
Classification: Uncertain significance for Combined oxidative phosphorylation defect type 24. Last evaluated: 2020-05-05. Review status: criteria provided, single submitter. Criteria: ACMG Guidelines, 2015. Collection method: clinical testing. Allele origin: unknown. Affected: yes.
Comment: This variant was determined to be of uncertain significance according to ACMG Guidelines, 2015 [PMID:25741868].

Breakthrough Genomics
Classification: Uncertain significance. Review status: criteria provided, single submitter. Criteria: ACMG Guidelines, 2015. Collection method: not provided. Allele origin: germline. Inheritance: Autosomal recessive inheritance. Affected: yes.